The following is an entry in ClinVar:

ClinVar aggregate classification (germline): Uncertain significance. Review status: criteria provided, multiple submitters, no conflicts (2 of 4 stars). 2 submissions from 2 submitters: Uncertain significance (2). Last evaluated 2026-04-14.

Conditions:
Familial intrahepatic cholestasis. Identifiers: Orphanet 284385, MedGen CN296401, MONDO:0017290.
Progressive familial intrahepatic cholestasis (PFIC). Also called: Progressive family intrahepatic cholestasis; Progressive intrahepatic cholestasis. Identifiers: Orphanet 172, MedGen C0268312, MONDO:0015762.

gnomAD v4.1: 17 of 1,613,894 alleles (0.0011%); highest among the groups gnomAD compares: Non-Finnish European, 0.0014%; no homozygotes.

Submissions (2):

Genomenon, Inc
Classification: Uncertain significance for Familial intrahepatic cholestasis. Last evaluated: 2026-04-14. Review status: criteria provided, single submitter. Criteria: Genomenon Sequence Variant Interpretation Standards - Updated. Collection method: curation. Allele origin: germline. Affected: yes.
Comment: ABCB11 p.Tyr1176Ser (c.3527A>C) is a missense variant that changes the amino acid at residue 1176 from Tyrosine to Serine. This variant has been observed in at least one proband with an ABCB11-related disorder (PMID:32087350). It is absent or not present at a significant frequency in gnomAD. In silico models predict that this variant is possibly or probably damaging. In conclusion, we classify ABCB11 p.Tyr1176Ser (c.3527A>C) as a variant of uncertain significance.

Broad Center for Mendelian Genomics, Broad Institute of MIT and Harvard
Classification: Uncertain significance for Progressive familial intrahepatic cholestasis. Last evaluated: 2025-02-05. Review status: criteria provided, single submitter. Criteria: ACMG Guidelines, 2015. Collection method: curation. Allele origin: germline. Inheritance: Autosomal recessive inheritance.
Comment: The p.Tyr1176Ser variant in ABCB11 has been reported, in the compound heterozygous state, in one individual with BSEP deficiency (Variation ID: 6590; doi.org_10.33612_diss.133430251), and has been identified in 0.0002% (2/1179786) of European (non-Finnish) chromosomes by the Genome Aggregation Database (gnomAD; dbSNP rs767218250). Although this variant has been seen in the general population in a heterozygous state, its frequency is low enough to be consistent with a recessive carrier frequency. Computational prediction tools and conservation analyses suggest that this variant may impact the protein, though this information is not predictive enough to determine pathogenicity. In summary, the clinical significance of the p.Tyr1176Ser variant is uncertain. ACMG/AMP Criteria applied: PP3_moderate, PM2_supporting, PM3_supporting (Richards 2015).

Literature cited by the submitters: PubMed 32087350 (cited by Genomenon, Inc).

NM_003742.4(ABCB11):c.3527A>C (p.Tyr1176Ser)

Gene: ABCB11 (ATP binding cassette subfamily B member 11; minus strand). Cytogenetic location: 2q31.1.
Variant type: single nucleotide variant.
Coding change: c.3527A>C on transcript NM_003742.4 (MANE Select); coding-DNA position 3527, A replaced by C.
Protein change: p.Tyr1176Ser; replaces tyrosine 1176 with serine.
Molecular consequence: missense variant.
Genome position (GRCh38, 1-based): chr2:168,927,247, T>G on the plus strand (A>C on the coding strand, the complement: ABCB11 is on the minus strand). VCF-style: chr2-168927247-T-G. GRCh37 (hg19) VCF-style: chr2-169783757-T-G.
Other names: NM_003742.4:c.3527A>C; short protein forms Y1176S.
Identifiers: ClinVar variation 3776892 (VCV003776892.2).